The following is an entry in ClinVar:

ClinVar aggregate classification (germline): Uncertain significance. Review status: criteria provided, multiple submitters, no conflicts (2 of 4 stars). 2 submissions from 2 submitters: Uncertain significance (2). Last evaluated 2024-11-05.

Conditions:
Cohen syndrome (COH1). Also called: Cutis verticis gyrata, retinitis pigmentosa, and sensorineural deafness; PEPPER SYNDROME. Identifiers: Orphanet 193, MedGen C0265223, MONDO:0008999, OMIM 216550.

Allele frequency attached by ClinVar (database versions not stated): gnomAD exomes below 0.00001.
gnomAD v4.1: 1 of 1,612,994 alleles (0.000062%); highest among the groups gnomAD compares: Admixed American, 0.0017%; no homozygotes.

Submissions (2):

Labcorp Genetics (formerly Invitae), Labcorp
Classification: Uncertain significance for Cohen syndrome. Last evaluated: 2024-11-05. Review status: criteria provided, single submitter. Criteria: Invitae Variant Classification Sherloc (09022015). Collection method: clinical testing. Allele origin: germline.
Comment: This sequence change replaces glutamic acid, which is acidic and polar, with lysine, which is basic and polar, at codon 1354 of the VPS13B protein (p.Glu1354Lys). This variant is not present in population databases (gnomAD no frequency). This variant has not been reported in the literature in individuals affected with VPS13B-related conditions. ClinVar contains an entry for this variant (Variation ID: 1384339). Invitae Evidence Modeling of protein sequence and biophysical properties (such as structural, functional, and spatial information, amino acid conservation, physicochemical variation, residue mobility, and thermodynamic stability) indicates that this missense variant is expected to disrupt VPS13B protein function with a positive predictive value of 80%. In summary, the available evidence is currently insufficient to determine the role of this variant in disease. Therefore, it has been classified as a Variant of Uncertain Significance.

Blueprint Genetics
Classification: Uncertain significance. Last evaluated: 2022-04-01. Review status: criteria provided, single submitter. Criteria: ACMG Guidelines, 2015. Collection method: clinical testing. Allele origin: germline.

NM_152564.5(VPS13B):c.4060G>A (p.Glu1354Lys)

Gene: VPS13B (vacuolar protein sorting 13 homolog B; plus strand). Cytogenetic location: 8q22.2.
Variant type: single nucleotide variant.
Coding change: c.4060G>A on transcript NM_152564.5 (MANE Select); coding-DNA position 4060, G replaced by A.
Protein change: p.Glu1354Lys; replaces glutamic acid 1354 with lysine.
Molecular consequence: missense variant.
Genome position (GRCh38, 1-based): chr8:99,502,853, G>A. VCF-style: chr8-99502853-G-A. GRCh37 (hg19) VCF-style: chr8-100515081-G-A.
Other names: c.4060G>A, p.Glu1354Lys (NM_017890.5); short protein forms E1354K.
Identifiers: ClinVar variation 1384339 (VCV001384339.7), dbSNP rs2133613311, ClinGen allele CA371869923.